The following is an entry in ClinVar:

ClinVar aggregate classification (germline): Uncertain significance. Review status: criteria provided, multiple submitters, no conflicts (2 of 4 stars). 2 submissions from 2 submitters: Uncertain significance (2). Last evaluated 2025-12-08.

Conditions:
Inborn genetic diseases. Identifiers: MedGen C0950123, MeSH D030342.
Dyskeratosis congenita, autosomal dominant 6 (DKCA6). Identifiers: Orphanet 3322, MedGen C4225284, MONDO:0014690, OMIM 616553.

Allele frequency attached by ClinVar (database versions not stated): gnomAD 0.00001; gnomAD exomes 0.00001; TOPMed 0.00001.
gnomAD v4.1: 21 of 1,613,934 alleles (0.0013%); highest among the groups gnomAD compares: Non-Finnish European, 0.0018%; no homozygotes.

Submissions (2):

Labcorp Genetics (formerly Invitae), Labcorp
Classification: Uncertain significance for Dyskeratosis congenita, autosomal dominant 6. Last evaluated: 2025-12-08. Review status: criteria provided, single submitter. Criteria: Invitae Variant Classification Sherloc (09022015). Collection method: clinical testing. Allele origin: germline.
Comment: This sequence change replaces histidine, which is basic and polar, with leucine, which is neutral and non-polar, at codon 241 of the ACD protein (p.His241Leu). This variant is not present in population databases (gnomAD no frequency). This variant has not been reported in the literature in individuals affected with ACD-related conditions. ClinVar contains an entry for this variant (Variation ID: 2447158). Invitae Evidence Modeling of protein sequence and biophysical properties (such as structural, functional, and spatial information, amino acid conservation, physicochemical variation, residue mobility, and thermodynamic stability) indicates that this missense variant is expected to disrupt ACD protein function with a positive predictive value of 80%. In summary, the available evidence is currently insufficient to determine the role of this variant in disease. Therefore, it has been classified as a Variant of Uncertain Significance.

Ambry Genetics
Classification: Uncertain significance for Inborn genetic diseases. Last evaluated: 2025-08-08. Review status: criteria provided, single submitter. Criteria: Ambry Variant Classification Scheme 2023. Collection method: clinical testing. Allele origin: germline.

NM_001082486.2(ACD):c.464A>T (p.His155Leu)

Gene: ACD (ACD shelterin complex subunit and telomerase recruitment factor; minus strand). Cytogenetic location: 16q22.1.
Variant type: single nucleotide variant.
Coding change: c.464A>T on transcript NM_001082486.2 (MANE Select); coding-DNA position 464, A replaced by T.
Protein change: p.His155Leu; replaces histidine 155 with leucine.
Molecular consequence: missense variant.
Genome position (GRCh38, 1-based): chr16:67,659,258, T>A on the plus strand (A>T on the coding strand, the complement: ACD is on the minus strand). VCF-style: chr16-67659258-T-A. GRCh37 (hg19) VCF-style: chr16-67693161-T-A.
Other names: c.464A>T, p.His155Leu (NM_001410884.1); c.455A>T, p.His152Leu (NM_022914.3); short protein forms H152L, H155L.
Identifiers: ClinVar variation 2447158 (VCV002447158.4), dbSNP rs1567641501, ClinGen allele CA396354650.